The following is an entry in ClinVar:

NM_004168.4(SDHA):c.1418A>C (p.Glu473Ala)

Gene: SDHA (succinate dehydrogenase complex flavoprotein subunit A; plus strand). Cytogenetic location: 5p15.33.
Variant type: single nucleotide variant.
Coding change: c.1418A>C on transcript NM_004168.4 (MANE Select); coding-DNA position 1418, A replaced by C.
Protein change: p.Glu473Ala; replaces glutamic acid 473 with alanine.
Molecular consequence: missense variant.
Genome position (GRCh38, 1-based): chr5:236,585, A>C. VCF-style: chr5-236585-A-C. GRCh37 (hg19) VCF-style: chr5-236700-A-C.
Other names: c.1274A>C, p.Glu425Ala (NM_001294332.2); c.1418A>C, p.Glu473Ala (NM_001330758.2); c.1418A>C (NM_004168.2); short protein forms E473A, E425A.
Identifiers: ClinVar variation 576286 (VCV000576286.11), dbSNP rs1560998495, ClinGen allele CA359014114.

ClinVar aggregate classification (germline): Uncertain significance. Review status: criteria provided, multiple submitters, no conflicts (2 of 4 stars). 2 submissions from 2 submitters: Uncertain significance (2). Last evaluated 2023-08-30.

Conditions:
Mitochondrial complex II deficiency, nuclear type 1. Also called: SUCCINATE CoQ REDUCTASE DEFICIENCY. Identifiers: Orphanet 3208, MedGen C5700310, MONDO:0100294, OMIM 252011.
Pheochromocytoma/paraganglioma syndrome 5. Also called: Paragangliomas 5; SDHA-Related Hereditary Paraganglioma-Pheochromocytoma Syndrome. Identifiers: Orphanet 29072, MedGen C3279992, MONDO:0013602, OMIM 614165.
Hereditary cancer-predisposing syndrome. Also called: Neoplastic Syndromes, Hereditary; Tumor predisposition; Hereditary neoplastic syndrome; Hereditary Cancer Syndrome. Identifiers: Orphanet 140162, MedGen C0027672, MeSH D009386, MONDO:0015356.

Submissions (2):

Ambry Genetics
Classification: Uncertain significance for Hereditary cancer-predisposing syndrome. Last evaluated: 2023-08-30. Review status: criteria provided, single submitter. Criteria: Ambry Variant Classification Scheme 2023. Collection method: clinical testing. Allele origin: germline.
Comment: The p.E473A variant (also known as c.1418A>C), located in coding exon 10 of the SDHA gene, results from an A to C substitution at nucleotide position 1418. The glutamic acid at codon 473 is replaced by alanine, an amino acid with dissimilar properties. This amino acid position is conserved. In addition, the in silico prediction for this alteration is inconclusive. Since supporting evidence is limited at this time, the clinical significance of this alteration remains unclear.

Labcorp Genetics (formerly Invitae), Labcorp
Classification: Uncertain significance for Pheochromocytoma/paraganglioma syndrome 5; Mitochondrial complex II deficiency, nuclear type 1. Last evaluated: 2018-06-23. Review status: criteria provided, single submitter. Criteria: Invitae Variant Classification Sherloc (09022015). Collection method: clinical testing. Allele origin: germline.
Comment: This sequence change replaces glutamic acid with alanine at codon 473 of the SDHA protein (p.Glu473Ala). The glutamic acid residue is moderately conserved and there is a moderate physicochemical difference between glutamic acid and alanine. This variant is not present in population databases (ExAC no frequency). This variant has not been reported in the literature in individuals with SDHA-related disease. Algorithms developed to predict the effect of missense changes on protein structure and function (SIFT, PolyPhen-2, Align-GVGD) all suggest that this variant is likely to be tolerated, but these predictions have not been confirmed by published functional studies and their clinical significance is uncertain. In summary, the available evidence is currently insufficient to determine the role of this variant in disease. Therefore, it has been classified as a Variant of Uncertain Significance.